The following is an entry in ClinVar:

NM_003072.5(SMARCA4):c.4231C>G (p.Arg1411Gly)

Gene: SMARCA4 (SWI/SNF related BAF chromatin remodeling complex subunit ATPase 4; plus strand). Cytogenetic location: 19p13.2.
Variant type: single nucleotide variant.
Coding change: c.4231C>G on transcript NM_003072.5 (MANE Select); coding-DNA position 4231, C replaced by G.
Protein change: p.Arg1411Gly; replaces arginine 1411 with glycine.
Molecular consequence: missense variant. On other transcripts: non-coding transcript variant (1).
Genome position (GRCh38, 1-based): chr19:11,041,367, C>G. VCF-style: chr19-11041367-C-G. GRCh37 (hg19) VCF-style: chr19-11152043-C-G.
Other names: c.4231C>G, p.Arg1411Gly (NM_001128844.3); c.4141C>G, p.Arg1381Gly (NM_001128845.2, NM_001128846.2); c.4132C>G, p.Arg1378Gly (NM_001128847.4, NM_001128848.2, NM_001374457.1); c.4327C>G, p.Arg1443Gly (NM_001128849.3, NM_001387283.1); c.4228C>G, p.Arg1410Gly (NM_001411150.1); short protein forms R1381G, R1410G, R1378G, R1411G, R1443G.
Identifiers: ClinVar variation 4170161 (VCV004170161.1).

ClinVar aggregate classification (germline): Uncertain significance (1 of 4 stars; one submission).

Conditions:
Hereditary cancer-predisposing syndrome. Also called: Neoplastic Syndromes, Hereditary; Tumor predisposition; Hereditary Cancer Syndrome; Hereditary neoplastic syndrome. Identifiers: Orphanet 140162, MedGen C0027672, MeSH D009386, MONDO:0015356.

Submission:

Ambry Genetics
Classification: Uncertain significance for Hereditary cancer-predisposing syndrome. Last evaluated: 2025-07-25. Review status: criteria provided, single submitter. Criteria: Ambry Variant Classification Scheme 2023. Collection method: clinical testing. Allele origin: germline.
Comment: The p.R1443G variant (also known as c.4327C>G), located in coding exon 30 of the SMARCA4 gene, results from a C to G substitution at nucleotide position 4327. The arginine at codon 1443 is replaced by glycine, an amino acid with dissimilar properties. This amino acid position is conserved. In addition, the in silico prediction for this alteration is inconclusive. Based on the available evidence, the clinical significance of this variant remains unclear.